The following is an entry in ClinVar:

ClinVar aggregate classification (germline): Pathogenic. Review status: criteria provided, multiple submitters, no conflicts (2 of 4 stars). 5 submissions from 5 submitters: Pathogenic (3). 2 of the submissions do not count toward it. Last evaluated 2023-01-30.

Conditions:
VHL-related disorder. Also called: VHL-related condition.
Von Hippel-Lindau syndrome (VHLS). Also called: Von Hippel-Lindau; von Hippel–Lindau syndrome; VHL syndrome. Identifiers: Orphanet 892, MedGen C0019562, MONDO:0008667, OMIM 193300. Disease mechanism: loss of function.
Chuvash polycythemia. Also called: POLYCYTHEMIA, VHL-DEPENDENT. Identifiers: Orphanet 238557, MedGen C1837915, MONDO:0009892, OMIM 263400.
Hereditary cancer-predisposing syndrome. Also called: Neoplastic Syndromes, Hereditary; Tumor predisposition; Hereditary neoplastic syndrome; Hereditary Cancer Syndrome. Identifiers: Orphanet 140162, MedGen C0027672, MeSH D009386, MONDO:0015356.
Nonpapillary renal cell carcinoma. Identifiers: Orphanet 422526, MedGen CN074294, MONDO:0007763, OMIM 144700.
Pheochromocytoma. Also called: MAX-Related Hereditary Paraganglioma-Pheochromocytoma Syndrome. Identifiers: Orphanet 29072, MedGen C0031511, MONDO:0008233, OMIM 171300, HP:0002666.

Submissions (10):

Ambry Genetics
Classification: Pathogenic for Hereditary cancer-predisposing syndrome. Last evaluated: 2023-01-30. Review status: criteria provided, single submitter. Criteria: Ambry Variant Classification Scheme 2023. Collection method: clinical testing. Allele origin: germline.
Comment: The c.464-2A>G intronic pathogenic mutation results from an A to G substitution two nucleotides upstream from coding exon 3 in the VHL gene. This mutation has been detected in a family meeting VHL clinical criteria (Glavac D et al. Hum Genet. 1996 Sep;98(3):271-80). In addition, two other alterations at this nucleotide position (c.464-2A>C and c.464-2A>T) have also been reported in VHL families and are considered pathogenic (Whaley JM et al. Am J Hum Genet. 1994 Dec;55(6):1092-102, Glavac D et al. Hum Genet. 1996 Sep;98(3):271-80). This nucleotide position is highly conserved in available vertebrate species. In silico splice site analysis predicts that this alteration will weaken the native splice acceptor site and may result in the creation or strengthening of a novel splice acceptor site; however, direct evidence is insufficient at this time (Ambry internal data). In addition to the clinical data presented in the literature, alterations that disrupt the canonical splice site are expected to cause aberrant splicing, resulting in an abnormal protein or a transcript that is subject to nonsense-mediated mRNA decay. As such, this alteration is classified as pathogenic.

Fulgent Genetics
Classification: Pathogenic for Nonpapillary renal cell carcinoma; Pheochromocytoma; Von Hippel-Lindau syndrome; Chuvash polycythemia. Last evaluated: 2021-06-30. Review status: criteria provided, single submitter. Criteria: ACMG Guidelines, 2015. Collection method: clinical testing. Allele origin: unknown.
Comment: This variant has been detected in individual(s) who were sent for testing of Renasight - kidney gene panel.

Labcorp Genetics (formerly Invitae), Labcorp
Classification: Pathogenic for Von Hippel-Lindau syndrome; Chuvash polycythemia. Last evaluated: 2020-09-29. Review status: criteria provided, single submitter. Criteria: Invitae Variant Classification Sherloc (09022015). Collection method: clinical testing. Allele origin: germline.
Comment: For these reasons, this variant has been classified as Pathogenic. Nucleotide substitutions within the consensus splice site are a relatively common cause of aberrant splicing (PMID: 17576681, 9536098). Algorithms developed to predict the effect of sequence changes on RNA splicing suggest that this variant may disrupt the consensus splice site, but this prediction has not been confirmed by published transcriptional studies. This variant has been observed to be de novo in an individual affected with von Hippel-Lindau disease (PMID: 8707293). This variant is also known as 677-2A>G in the literature. ClinVar contains an entry for this variant (Variation ID: 223222). This variant is not present in population databases (ExAC no frequency). This sequence change affects an acceptor splice site in the last intron (intron 2) of the VHL gene. While this is not anticipated to result in nonsense mediated decay, it likely alters RNA splicing and results in a disrupted protein product.

PreventionGenetics, part of Exact Sciences
Classification: Pathogenic for VHL-related condition. Last evaluated: 2024-07-15. Review status: no assertion criteria provided. Collection method: clinical testing. Allele origin: germline. Not counted in ClinVar's aggregate classification.
Comment: The VHL c.464-2A>G variant is predicted to disrupt the AG splice acceptor site and interfere with normal splicing. This variant, described as 677-2A>G, has been reported to occur de novo in an individual with Von Hippel-Lindau syndrome (Glavac et al. 1996. PubMed ID: 8707293). This variant has also been reported in other individuals with VHL-related disease phenotypes (Liu et al. 2020. PubMed ID: 33004005; Reich et al. 2021. PubMed ID: 33720516; Hama et al. 2023. PubMed ID: 37020505; Krauss et al. 2018. PubMed ID: 29748190). Alternate nucleotide changes at the same genomic position (c.464-2A>C, c.464-2A>T) have been reported in individuals with VHL-associated disease (Whaley et al. 1994. PubMed ID: 7977367; described as 677-2A>T, Glavac et al 1996. PubMed ID: 8707293). This variant has not been reported in a large population database, indicating this variant is rare. It is interpreted as pathogenic in ClinVar. Variants that disrupt the consensus splice acceptor site in VHL are expected to be pathogenic. This variant is interpreted as pathogenic.

Genomic Diagnostic Laboratory, Division of Genomic Diagnostics, Children's Hospital of Philadelphia
Classification: Pathogenic for Von Hippel-Lindau syndrome. Last evaluated: 2016-02-26. Review status: no assertion criteria provided. Collection method: clinical testing. Allele origin: germline. Affected: yes. Observed: 6 variant alleles. Not counted in ClinVar's aggregate classification.

Dr. Peter K. Rogan Lab, Western University
No classification provided (evidence only). Condition: Clear cell carcinoma of kidney. Review status: no classification provided. Collection method: in vitro. Allele origin: not applicable. Functional consequence: retained intron. Not counted in ClinVar's aggregate classification.

Dr. Peter K. Rogan Lab, Western University
No classification provided (evidence only). Condition: Clear cell carcinoma of kidney. Review status: no classification provided. Collection method: in vitro. Allele origin: not applicable. Functional consequence: retained intron. Not counted in ClinVar's aggregate classification.

Dr. Peter K. Rogan Lab, Western University
No classification provided (evidence only). Condition: Clear cell carcinoma of kidney. Review status: no classification provided. Collection method: in vitro. Allele origin: not applicable. Functional consequence: retained intron. Not counted in ClinVar's aggregate classification.

Dr. Peter K. Rogan Lab, Western University
No classification provided (evidence only). Condition: Familial prostate cancer. Review status: no classification provided. Collection method: in vitro. Allele origin: not applicable. Functional consequence: retained intron. Not counted in ClinVar's aggregate classification.

MutSpliceDB: a database of splice sites variants effects on splicing, NIH
No classification provided (evidence only). Review status: no classification provided. Collection method: in vivo. Allele origin: not applicable. Functional consequence: retained intron. Not counted in ClinVar's aggregate classification.

Literature cited by the submitters: PubMed 17576681 (cited by Labcorp Genetics (formerly Invitae), Labcorp); PubMed 9536098 (cited by Labcorp Genetics (formerly Invitae), Labcorp); PubMed 8707293 (cited by Labcorp Genetics (formerly Invitae), Labcorp).

NM_000551.4(VHL):c.464-2A>G

Genes: VHL (von Hippel-Lindau tumor suppressor; plus strand), LOC107303340 (3p25 von Hippel-Lindau tumor suppressor, E3 ubiquitin protein ligase Alu-mediated recombination region; plus strand). Cytogenetic location: 3p25.3.
Variant type: single nucleotide variant.
Coding change: c.464-2A>G on transcript NM_000551.4 (MANE Select); the canonical splice acceptor site of the intron before coding-DNA position 464, A replaced by G.
Molecular consequence: splice acceptor variant.
Genome position (GRCh38, 1-based): chr3:10,149,785, A>G. VCF-style: chr3-10149785-A-G. GRCh37 (hg19) VCF-style: chr3-10191469-A-G.
Other names: c.*18-2A>G (NM_001354723.2); c.341-2A>G (NM_198156.3).
Identifiers: ClinVar variation 223222 (VCV000223222.23), dbSNP rs5030816, ClinGen allele CA357046.